The following is an entry in ClinVar:

ClinVar aggregate classification (germline): Uncertain significance (1 of 4 stars; one submission).

Submission:

Labcorp Genetics (formerly Invitae), Labcorp
Classification: Uncertain significance. Last evaluated: 2024-09-03. Review status: criteria provided, single submitter. Criteria: Invitae Variant Classification Sherloc (09022015). Collection method: clinical testing. Allele origin: germline.
Comment: This sequence change falls in intron 43 of the CACNA1F gene. It does not directly change the encoded amino acid sequence of the CACNA1F protein. It affects a nucleotide within the consensus splice site. This variant is not present in population databases (gnomAD no frequency). This variant has not been reported in the literature in individuals affected with CACNA1F-related conditions. Variants that disrupt the consensus splice site are a relatively common cause of aberrant splicing (PMID: 17576681, 9536098). Algorithms developed to predict the effect of sequence changes on RNA splicing suggest that this variant may disrupt the consensus splice site. In summary, the available evidence is currently insufficient to determine the role of this variant in disease. Therefore, it has been classified as a Variant of Uncertain Significance.

Literature cited by the submitters: PubMed 17576681; PubMed 9536098.

NM_001256789.3(CACNA1F):c.5124-3C>G

Gene: CACNA1F (calcium voltage-gated channel subunit alpha1 F; minus strand). Cytogenetic location: Xp11.23.
Variant type: single nucleotide variant.
Coding change: c.5124-3C>G on transcript NM_001256789.3 (MANE Select); 3 bases into the intron before coding-DNA position 5124, C replaced by G.
Molecular consequence: intron variant.
Genome position (GRCh38, 1-based): chrX:49,207,115, G>C on the plus strand (C>G on the coding strand, the complement: CACNA1F is on the minus strand). VCF-style: chrX-49207115-G-C. GRCh37 (hg19) VCF-style: chrX-49063576-G-C.
Other names: c.5157-3C>G (NM_005183.4); c.4962-3C>G (NM_001256790.3).
Identifiers: ClinVar variation 3685354 (VCV003685354.2).